The following is an entry in ClinVar:

ClinVar aggregate classification (germline): Conflicting classifications of pathogenicity. Review status: criteria provided, conflicting classifications (1 of 4 stars). 2 submissions from 2 submitters: Likely pathogenic (1); Uncertain significance (1). Last evaluated 2023-09-25.

Conditions:
Ovarian cancer. Also called: OVARIAN CANCER, SOMATIC. Identifiers: Orphanet 213500, MedGen C1140680, MONDO:0008170, OMIM 167000.
Inborn genetic diseases. Identifiers: MedGen C0950123, MeSH D030342.

Allele frequency attached by ClinVar (database versions not stated): TOPMed 0.00003.

Submissions (2):

Ambry Genetics
Classification: Uncertain significance for Inborn genetic diseases. Last evaluated: 2023-09-25. Review status: criteria provided, single submitter. Criteria: Ambry Variant Classification Scheme 2023. Collection method: clinical testing. Allele origin: germline.
Comment: The p.C356Y variant (also known as c.1067G>A), located in coding exon 9 of the BUB1B gene, results from a G to A substitution at nucleotide position 1067. The cysteine at codon 356 is replaced by tyrosine, an amino acid with highly dissimilar properties. This amino acid position is conserved. In addition, the in silico prediction for this alteration is inconclusive. Since supporting evidence is limited at this time, the clinical significance of this alteration remains unclear.

Laboratory of Molecular Epidemiology of Birth Defects, West China Second University Hospital, Sichuan University
Classification: Likely pathogenic for Ovarian cancer. Last evaluated: 2022-01-01. Review status: criteria provided, single submitter. Criteria: ACMG Guidelines, 2015. Collection method: clinical testing. Allele origin: germline. Affected: yes.

NM_001211.6(BUB1B):c.1067G>A (p.Cys356Tyr)

Gene: BUB1B (BUB1 mitotic checkpoint serine/threonine kinase B; plus strand). Cytogenetic location: 15q15.1.
Variant type: single nucleotide variant.
Coding change: c.1067G>A on transcript NM_001211.6 (MANE Select); coding-DNA position 1067, G replaced by A.
Protein change: p.Cys356Tyr; replaces cysteine 356 with tyrosine.
Molecular consequence: missense variant.
Genome position (GRCh38, 1-based): chr15:40,196,553, G>A. VCF-style: chr15-40196553-G-A. GRCh37 (hg19) VCF-style: chr15-40488754-G-A.
Other names: short protein forms C356Y.
Identifiers: ClinVar variation 2445378 (VCV002445378.3), dbSNP rs896037493, ClinGen allele CA268790948.